The following is an entry in ClinVar:

NM_007294.4(BRCA1):c.211A>G (p.Arg71Gly)

Gene: BRCA1 (BRCA1 DNA repair associated; minus strand). Cytogenetic location: 17q21.31.
Variant type: single nucleotide variant.
Coding change: c.211A>G on transcript NM_007294.4 (MANE Select); coding-DNA position 211, A replaced by G.
Protein change: p.Arg71Gly; replaces arginine 71 with glycine.
Molecular consequence: missense variant.
Genome position (GRCh38, 1-based): chr17:43,106,457, T>C on the plus strand (A>G on the coding strand, the complement: BRCA1 is on the minus strand). VCF-style: chr17-43106457-T-C. GRCh37 (hg19) VCF-style: chr17-41258474-T-C.
Other names: p.R71G:AGG>GGG; 330A>G; c.211A>G, p.Arg71Gly (NM_001407581.1, NM_001407582.1, NM_001407583.1 and 168 more transcripts); c.70A>G, p.Arg24Gly (NM_001407692.1, NM_001407694.1, NM_001407695.1 and 99 more transcripts); short protein forms R71G, R24G.
Identifiers: ClinVar variation 17693 (VCV000017693.125), dbSNP rs80357382, ClinGen allele CA001398.

ClinVar aggregate classification (germline): Pathogenic. Review status: reviewed by expert panel (3 of 4 stars). 37 submissions from 36 submitters: Pathogenic (1). 36 of the submissions do not count toward it. Last evaluated 2019-06-18.

Conditions:
BRCA1-related cancer predisposition. Identifiers: MedGen CN377757, MONDO:0700268.
BRCA1-related disorder. Also called: BRCA1-related condition.
Breast-ovarian cancer, familial, susceptibility to, 1 (BROVCA1). Also called: BRCA1 Hereditary Breast and Ovarian Cancer; OVARIAN CANCER, SUSCEPTIBILITY TO. Identifiers: Orphanet 145, MedGen C2676676, MONDO:0011450, OMIM 604370. Disease mechanism: loss of function.
Familial cancer of breast. Also called: Hereditary breast cancer; hereditary breast carcinoma; BREAST CANCER, FAMILIAL. Identifiers: Orphanet 227535, MedGen C0346153, MONDO:0016419, OMIM 114480. Disease mechanism: loss of function.
Fanconi anemia, complementation group S (FANCS). Identifiers: MedGen C4554406, MONDO:0054748, OMIM 617883.
Pancreatic cancer, susceptibility to, 4. Identifiers: Orphanet 1333, MedGen C3280442, MONDO:0013685, OMIM 614320.
Hereditary cancer-predisposing syndrome. Also called: Neoplastic Syndromes, Hereditary; Tumor predisposition; Hereditary Cancer Syndrome; Hereditary neoplastic syndrome. Identifiers: Orphanet 140162, MedGen C0027672, MeSH D009386, MONDO:0015356.
Hereditary breast ovarian cancer syndrome. Also called: Hereditary breast and ovarian cancer; Breast and ovarian cancer; Hereditary breast and/or ovarian cancer syndrome; BRCA1- and BRCA2-Associated Hereditary Breast and Ovarian Cancer; Hereditary breast and ovarian cancer syndrome; Hereditary breast and ovarian cancer syndrome (HBOC). Identifiers: Orphanet 145, MedGen C0677776, MeSH D061325, MONDO:0003582. Disease mechanism: loss of function.

Allele frequency attached by ClinVar (database versions not stated): gnomAD exomes below 0.00001.
gnomAD v4.1: 2 of 1,580,162 alleles (0.00013%); highest among the groups gnomAD compares: Non-Finnish European, 0.00017%; no homozygotes.

Submissions 1 to 5 of 38:

Evidence-based Network for the Interpretation of Germline Mutant Alleles (ENIGMA)
Classification: Pathogenic for Breast-ovarian cancer, familial, susceptibility to, 1. Last evaluated: 2019-06-18. Review status: reviewed by expert panel. Criteria: ENIGMA BRCA1/2 Classification Criteria (2017-06-29). Collection method: curation. Allele origin: germline.
Comment: IARC class based on posterior probability from multifactorial likelihood analysis, thresholds for class as per Plon et al. 2008 (PMID: 18951446). Class 5 based on posterior probability = 0.999388

Hema, HEMA – Genetic and Molecular Diagnostic Laboratory
Classification: Pathogenic for BRCA1-related cancer predisposition. Last evaluated: 2026-09-14. Review status: criteria provided, single submitter. Criteria: HEMA Variant Classification Assertion Criteria. Collection method: clinical testing. Allele origin: germline. Not counted in ClinVar's aggregate classification.
Comment: The c.211A>G variant is a transition from thymine to cytosine in the antepenultimate base of exon 4 of the BRCA1 gene. PVS1 (RNA): Different RNA studies by RT-PCR showed that the variant leads to the use of a cryptic donor splicing site located 22 nucleotides upstream of the canonical donor splicing site of intron 4, resulting in a premature stop codon (r.191_212del p.(Cys64Ter)) (PMID: 11385711, 20215541, 21735045, 22505045). PS3: Functional studies showed that the variant affects the function of BRCA1 (PMID: 30209399). PP1_VeryStrong: The variant cosegregated with breast cancer (segregation LR = 383.26 > 350) (PMID: 31131967).

Labcorp Genetics (formerly Invitae), Labcorp
Classification: Pathogenic for Hereditary breast ovarian cancer syndrome. Last evaluated: 2026-01-25. Review status: criteria provided, single submitter. Criteria: Invitae Variant Classification Sherloc (09022015). Collection method: clinical testing. Allele origin: germline. Not counted in ClinVar's aggregate classification.
Comment: This sequence change replaces arginine, which is basic and polar, with glycine, which is neutral and non-polar, at codon 71 of the BRCA1 protein (p.Arg71Gly). RNA analysis indicates that this missense change induces altered splicing and may result in an absent or altered protein product. This variant is present in population databases (rs80357382, gnomAD 0.0009%). This missense change has been observed in individual(s) with breast and ovarian cancer (PMID: 12014998, 20215541). It is commonly reported in individuals of Spanish ancestry (PMID: 11385711, 23683081, 27081505). This variant is also known as 330A>G. ClinVar contains an entry for this variant (Variation ID: 17693). An algorithm developed to predict the effect of missense changes on protein structure and function (PolyPhen-2) suggests that this variant is likely to be disruptive. Experimental studies have shown that this missense change does not substantially affect BRCA1 function (PMID: 2316185, 11320250, 16403807, 20103620, 21725363). Studies have shown that this missense change results in activation of a cryptic splice site and exon 4 skipping, and produces a non-functional protein and/or introduces a premature termination codon (PMID: 2173504, 11385711, 19123044, 20215541; internal data). For these reasons, this variant has been classified as Pathogenic.

Color Diagnostics, LLC DBA Color Health
Classification: Pathogenic for Hereditary cancer-predisposing syndrome. Last evaluated: 2025-11-11. Review status: criteria provided, single submitter. Criteria: ACMG Guidelines, 2015. Collection method: clinical testing. Allele origin: germline. Not counted in ClinVar's aggregate classification.
Comment: This variant is located in exon 4 near the intron 4 splice donor site. RNA analyses have shown that this variant results in out-of-frame splicing involving exon 4 that is predicted to cause an absent or non-functional protein product (PMID: 11385711, 20215541, 22505045). This variant has been reported to be loss-of-function in a haploid cell proliferation assay (PMID: 30209399). This variant has been reported in over 20 individuals and families affected with breast and ovarian cancer (PMID: 10508480, 12955716, 18159056, 19123044, 20104584, 23683081, 25716084, 28664506, 28985766, 29088781, 30606148, 33471991Leiden Open Variation Database DB-ID BRCA1_000059), and has been identified in 129 families among the CIMBA participants (PMID: 29446198). Haplotype analysis suggests that this variant is a founder mutation originating in Northern Spain (PMID: 11385711, 12014998). Multifactorial analysis reached a combined likelihood ratio (LR) of 1.62E+12 based on segregation and case-control LR and personal and family history for 11 carriers (PMID: 31131967, 31853058, 40413188). This variant has been identified in 1/249744 chromosomes in the general population by the Genome Aggregation Database (gnomAD). Loss of BRCA1 function is a known mechanism of disease. Based on the available evidence, this variant is classified as Pathogenic.

ARUP Laboratories, Molecular Genetics and Genomics, ARUP Laboratories
Classification: Pathogenic. Last evaluated: 2025-07-28. Review status: criteria provided, single submitter. Criteria: ARUP Molecular Germline Variant Investigation Process 2024. Collection method: clinical testing. Allele origin: germline. Not counted in ClinVar's aggregate classification.
Comment: The BRCA1 c.211A>G; p.Arg71Gly variant (rs80357382) has been reported in multiple families with a history of breast and/or ovarian cancers (Diez 1999, Sanz 2010, Vega 2001). Functional characterization of the variant indicates aberrant splicing of the BRCA1 transcript, resulting in the introduction of a premature termination codon (Houdayer 2012, Menendez 2012, Sanz 2010, Vega 2001). This variant is reported as pathogenic by multiple laboratories in ClinVar (Variation ID: 17693). It is only observed on one allele in the Genome Aggregation Database (v2.1.1), indicating it is not a common polymorphism. This variant is two nucleotide from the canonical splice site, and computational algorithms (Alamut v.2.11) predict the weakening or loss of the splice donor, consistent with observations from functional studies. Based on available information, this variant is considered to be pathogenic. References: Diez O et al. BRCA1 mutation analysis in 83 Spanish breast and breast/ovarian cancer families. Int J Cancer. 1999; 83(4):465-9. PMID: 10508480 Houdayer C et al. Guidelines for splicing analysis in molecular diagnosis derived from a set of 327 combined in silico/in vitro studies on BRCA1 and BRCA2 variants. Hum Mutat. 2012; 33(8):1228-38. PMID: 22505045. Menendez M et al. Assessing the RNA effect of 26 DNA variants in the BRCA1 and BRCA2 genes. Breast Cancer Res Treat. 2012 Apr;132(3):979-92. PMID: 21735045. Sanz DJ et al. A high proportion of DNA variants of BRCA1 and BRCA2 is associated with aberrant splicing in breast/ovarian cancer patients. Clin Cancer Res. 2010; 16(6):1957-67. PMID: 20215541. Vega A et al. The R71G BRCA1 is a founder Spanish mutation and leads to aberrant splicing of the transcript. Hum Mutat. 2001; 17(6):520-1. PMID: 11385711